The following is an entry in ClinVar:

ClinVar aggregate classification (germline): Pathogenic (1 of 4 stars; one submission).

Conditions:
T-B+ severe combined immunodeficiency due to JAK3 deficiency. Also called: SCID, autosomal recessive, T-negative/B-positive type; SCID, T CELL-NEGATIVE, B CELL-POSITIVE, NK CELL-NEGATIVE. Identifiers: Orphanet 35078, MedGen C1833275, MONDO:0010938, OMIM 600802.

Submission:

Labcorp Genetics (formerly Invitae), Labcorp
Classification: Pathogenic for T-B+ severe combined immunodeficiency due to JAK3 deficiency. Last evaluated: 2023-04-28. Review status: criteria provided, single submitter. Criteria: Invitae Variant Classification Sherloc (09022015). Collection method: clinical testing. Allele origin: germline.
Comment: This variant is not present in population databases (gnomAD no frequency). This sequence change creates a premature translational stop signal (p.Asp241Glufs*37) in the JAK3 gene. It is expected to result in an absent or disrupted protein product. Loss-of-function variants in JAK3 are known to be pathogenic (PMID: 7481768, 11668621). This variant has not been reported in the literature in individuals affected with JAK3-related conditions. For these reasons, this variant has been classified as Pathogenic.

Literature cited by the submitters: PubMed 7481768; PubMed 11668621.

NM_000215.4(JAK3):c.722_723insAGGA (p.Asp241fs)

Gene: JAK3 (Janus kinase 3; minus strand). Cytogenetic location: 19p13.11.
Variant type: Insertion.
Coding change: c.722_723insAGGA on transcript NM_000215.4 (MANE Select); coding-DNA positions 722 to 723, AGGA inserted.
Protein change: p.Asp241fs; shifts the reading frame from aspartic acid 241.
Molecular consequence: frameshift variant.
Genome position: GRCh38 VCF-style: chr19-17842454-G-GTCCT. GRCh37 (hg19) VCF-style: chr19-17953263-G-GTCCT.
Other names: short protein forms D241fs.
Identifiers: ClinVar variation 2880889 (VCV002880889.3), dbSNP rs2094242185, ClinGen allele CA994150258.